The following is an entry in ClinVar:

NM_001367624.2(ZNF469):c.1952del (p.Pro651fs)

Gene: ZNF469 (zinc finger protein 469; plus strand). Cytogenetic location: 16q24.2.
Variant type: Deletion.
Coding change: c.1952del on transcript NM_001367624.2 (MANE Select); coding-DNA position 1952, one base deleted (C; older notation c.1952delC).
Protein change: p.Pro651fs; shifts the reading frame from proline 651.
Molecular consequence: frameshift variant.
Genome position (GRCh38, 1-based): chr16:88,429,422, C deleted; the last of 4 consecutive C bases (chr16:88,429,419-88,429,422); deleting any one gives the same sequence. VCF-style (leftmost placement, unchanged base first): chr16-88429418-TC-T. GRCh37 (hg19) VCF-style: chr16-88495826-TC-T.
Other names: short protein forms P651fs.
Identifiers: ClinVar variation 2842541 (VCV002842541.3), dbSNP rs2507576803, ClinGen allele CA2634824137.

ClinVar aggregate classification (germline): Pathogenic (1 of 4 stars; one submission).

Submission:

Labcorp Genetics (formerly Invitae), Labcorp
Classification: Pathogenic. Last evaluated: 2023-03-03. Review status: criteria provided, single submitter. Criteria: Invitae Variant Classification Sherloc (09022015). Collection method: clinical testing. Allele origin: germline.
Comment: For these reasons, this variant has been classified as Pathogenic. This variant has not been reported in the literature in individuals affected with ZNF469-related conditions. This variant is not present in population databases (gnomAD no frequency). This sequence change creates a premature translational stop signal (p.Pro651Argfs*81) in the ZNF469 gene. It is expected to result in an absent or disrupted protein product. Loss-of-function variants in ZNF469 are known to be pathogenic (PMID: 23642083, 23680354).

Literature cited by the submitters: PubMed 23642083; PubMed 23680354.